The following is an entry in ClinVar:

ClinVar aggregate classification (germline): Uncertain significance. Review status: criteria provided, multiple submitters, no conflicts (2 of 4 stars). 2 submissions from 2 submitters: Uncertain significance (2). Last evaluated 2024-10-04.

Conditions:
Inborn genetic diseases. Identifiers: MedGen C0950123, MeSH D030342.

Submissions (2):

Ambry Genetics
Classification: Uncertain significance for Inborn genetic diseases. Last evaluated: 2024-10-04. Review status: criteria provided, single submitter. Criteria: Ambry Variant Classification Scheme 2023. Collection method: clinical testing. Allele origin: germline.

GeneDx
Classification: Uncertain significance. Last evaluated: 2024-01-16. Review status: criteria provided, single submitter. Criteria: GeneDx Variant Classification Process June 2021. Collection method: clinical testing. Allele origin: germline. Affected: yes.
Comment: In silico analysis supports that this missense variant does not alter protein structure/function; Has not been previously published as pathogenic or benign to our knowledge

NM_133444.3(ZNF526):c.607T>C (p.Ser203Pro)

Gene: ZNF526 (zinc finger protein 526; plus strand). Cytogenetic location: 19q13.2.
Variant type: single nucleotide variant.
Coding change: c.607T>C on transcript NM_133444.3 (MANE Select); coding-DNA position 607, T replaced by C.
Protein change: p.Ser203Pro; replaces serine 203 with proline.
Molecular consequence: missense variant.
Genome position (GRCh38, 1-based): chr19:42,225,010, T>C. VCF-style: chr19-42225010-T-C. GRCh37 (hg19) VCF-style: chr19-42729162-T-C.
Other names: c.607T>C, p.Ser203Pro (NM_001314033.3); short protein forms S203P.
Identifiers: ClinVar variation 3367763 (VCV003367763.2).
Genomic context (GRCh38, chr19:42,225,010, plus strand): 5'-CTGCCTCCACCTTCTCCCCCATCCGAAGTCAAGATGGAGCCCTATGAGTGTCCTGAGTGC[T>C]CTACCCTCTGCGCCACCCCTGAGGAGTTCTTGGAGCATCAGGGCACCCACTTTGACTCCC-3'
Protein context (NP_597701.1, residues 193-213): KMEPYECPEC[Ser203Pro]TLCATPEEFL